The following is an entry in ClinVar:

ClinVar aggregate classification (germline): Uncertain significance. Review status: criteria provided, multiple submitters, no conflicts (2 of 4 stars). 7 submissions from 7 submitters: Uncertain significance (7). Last evaluated 2025-08-31.

Conditions:
Ehlers-Danlos syndrome, type 4 (EDSVASC). Also called: Ehlers-Danlos Syndrome Type IV; Ehlers-Danlos syndrome vascular type; Ehlers Danlos syndrome, ecchymotic type; Ehlers Danlos syndrome, arterial type; Ehlers Danlos syndrome, Sack-Barabas type. Identifiers: Orphanet 286, MedGen C0268338, MONDO:0017314, OMIM 130050.
Polymicrogyria with or without vascular-type Ehlers-Danlos syndrome. Identifiers: Orphanet 636941, MedGen C5193040, MONDO:0032688, OMIM 618343.
Familial thoracic aortic aneurysm and aortic dissection (TAAD). Also called: Thoracic aortic aneurysms and dissections. Identifiers: Orphanet 91387, MedGen C4707243, MONDO:0019625.

Allele frequency attached by ClinVar (database versions not stated): gnomAD exomes below 0.00001 and 0.00001; gnomAD 0.00002; TOPMed 0.00003.
gnomAD v4.1: 18 of 1,613,900 alleles (0.0011%); highest among the groups gnomAD compares: African/African-American, 0.008%; no homozygotes.

Submissions (7):

Labcorp Genetics (formerly Invitae), Labcorp
Classification: Uncertain significance for Ehlers-Danlos syndrome, type 4. Last evaluated: 2025-08-31. Review status: criteria provided, single submitter. Criteria: Invitae Variant Classification Sherloc (09022015). Collection method: clinical testing. Allele origin: germline.
Comment: This sequence change replaces isoleucine, which is neutral and non-polar, with threonine, which is neutral and polar, at codon 1449 of the COL3A1 protein (p.Ile1449Thr). This variant is present in population databases (no rsID available, gnomAD 0.004%). This variant has not been reported in the literature in individuals affected with COL3A1-related conditions. ClinVar contains an entry for this variant (Variation ID: 404293). Invitae Evidence Modeling of protein sequence and biophysical properties (such as structural, functional, and spatial information, amino acid conservation, physicochemical variation, residue mobility, and thermodynamic stability) indicates that this missense variant is not expected to disrupt COL3A1 protein function with a negative predictive value of 95%. In summary, the available evidence is currently insufficient to determine the role of this variant in disease. Therefore, it has been classified as a Variant of Uncertain Significance.

Women's Health and Genetics/Laboratory Corporation of America, LabCorp
Classification: Uncertain significance. Last evaluated: 2025-04-22. Review status: criteria provided, single submitter. Criteria: LabCorp Variant Classification Summary - May 2015. Collection method: clinical testing. Allele origin: germline.
Comment: Variant summary: COL3A1 c.4346T>C (p.Ile1449Thr) results in a non-conservative amino acid change in the encoded protein sequence. Three of five in-silico tools predict a benign effect of the variant on protein function. The variant allele was found at a frequency of 4e-06 in 251274 control chromosomes. The available data on variant occurrences in the general population are insufficient to allow any conclusion about variant significance. To our knowledge, no occurrence of c.4346T>C in individuals affected with Polymicrogyria with or without vascular-type Ehlers-Danlos syndrome and no experimental evidence demonstrating its impact on protein function have been reported. ClinVar contains an entry for this variant (Variation ID: 404293). Based on the evidence outlined above, the variant was classified as uncertain significance.

All of Us Research Program, National Institutes of Health
Classification: Uncertain significance for Ehlers-Danlos syndrome, type 4. Last evaluated: 2024-05-17. Review status: criteria provided, single submitter. Criteria: ACMG Guidelines, 2015. Collection method: clinical testing. Allele origin: germline. Inheritance: Autosomal dominant inheritance. Observed: 5 variant alleles, 5 heterozygotes.
Comment: This missense variant replaces isoleucine with threonine at codon 1449 of the COL3A1 protein. Computational prediction is inconclusive regarding the impact of this variant on protein structure and function (internally defined REVEL score threshold 0.5 < inconclusive < 0.7, PMID: 27666373). Splice site prediction tools suggest that this variant may not impact RNA splicing. To our knowledge, functional studies have not been performed for this variant. This variant has not been reported in individuals affected with cardiovascular disorders in the literature. This variant has been identified in 2/282660 chromosomes in the general population by the Genome Aggregation Database (gnomAD). The available evidence is insufficient to determine the role of this variant in disease conclusively. Therefore, this variant is classified as a Variant of Uncertain Significance.

This study involves interpretation of variants in research participants for the purpose of population health screening. Participant phenotype was not available at the time of variant classification. Additional details can be found in publication PMID: 35346344, PMCID: PMC8962531

Color Diagnostics, LLC DBA Color Health
Classification: Uncertain significance for Familial thoracic aortic aneurysm and aortic dissection. Last evaluated: 2024-03-07. Review status: criteria provided, single submitter. Criteria: ACMG Guidelines, 2015. Collection method: clinical testing. Allele origin: germline.
Comment: This missense variant replaces isoleucine with threonine at codon 1449 of the COL3A1 protein. Computational prediction is inconclusive regarding the impact of this variant on protein structure and function (internally defined REVEL score threshold 0.5 < inconclusive < 0.7, PMID: 27666373). To our knowledge, functional studies have not been reported for this variant. This variant has not been reported in individuals affected with COL3A1-related disorders in the literature. This variant has been identified in 2/282660 chromosomes in the general population by the Genome Aggregation Database (gnomAD). The available evidence is insufficient to determine the role of this variant in disease conclusively. Therefore, this variant is classified as a Variant of Uncertain Significance.

GeneDx
Classification: Uncertain significance. Last evaluated: 2024-02-01. Review status: criteria provided, single submitter. Criteria: GeneDx Variant Classification Process June 2021. Collection method: clinical testing. Allele origin: germline. Affected: yes.
Comment: Not observed at significant frequency in large population cohorts (gnomAD); In silico analysis supports that this missense variant has a deleterious effect on protein structure/function; Has not been previously published as pathogenic or benign to our knowledge; Not located in the triple helical region, where the majority of pathogenic missense variants occur (HGMD)

Fulgent Genetics
Classification: Uncertain significance for Ehlers-Danlos syndrome, type 4; Polymicrogyria with or without vascular-type Ehlers-Danlos syndrome. Last evaluated: 2022-05-02. Review status: criteria provided, single submitter. Criteria: ACMG Guidelines, 2015. Collection method: clinical testing. Allele origin: unknown.

Ambry Genetics
Classification: Uncertain significance for Familial thoracic aortic aneurysm and aortic dissection. Last evaluated: 2021-02-10. Review status: criteria provided, single submitter. Criteria: Ambry Variant Classification Scheme 2023. Collection method: clinical testing. Allele origin: germline.
Comment: The p.I1449T variant (also known as c.4346T>C), located in coding exon 51 of the COL3A1 gene, results from a T to C substitution at nucleotide position 4346. The isoleucine at codon 1449 is replaced by threonine, an amino acid with similar properties. This amino acid position is not well conserved in available vertebrate species. In addition, the in silico prediction for this alteration is inconclusive. Since supporting evidence is limited at this time, the clinical significance of this alteration remains unclear.

NM_000090.4(COL3A1):c.4346T>C (p.Ile1449Thr)

Gene: COL3A1 (collagen type III alpha 1 chain; plus strand). Cytogenetic location: 2q32.2.
Variant type: single nucleotide variant.
Coding change: c.4346T>C on transcript NM_000090.4 (MANE Select); coding-DNA position 4346, T replaced by C.
Protein change: p.Ile1449Thr; replaces isoleucine 1449 with threonine.
Molecular consequence: missense variant.
Genome position (GRCh38, 1-based): chr2:189,011,719, T>C. VCF-style: chr2-189011719-T-C. GRCh37 (hg19) VCF-style: chr2-189876445-T-C.
Other names: short protein forms I1449T.
Identifiers: ClinVar variation 404293 (VCV000404293.16), dbSNP rs932369090, ClinGen allele CA16610607.